The following is an entry in ClinVar:

ClinVar aggregate classification (germline): Uncertain significance (1 of 4 stars; one submission).

Submission:

CeGaT Center for Human Genetics Tuebingen
Classification: Uncertain significance. Last evaluated: 2025-04-01. Review status: criteria provided, single submitter. Criteria: CeGaT Center For Human Genetics Tuebingen Variant Classification Criteria Version 2. Collection method: clinical testing. Allele origin: germline. Affected: yes. Observed: 1 variant allele.
Comment: CD70: PM2, PVS1:Supporting

NM_001252.5(CD70):c.554del (p.Phe185fs)

Gene: CD70 (CD70 molecule; minus strand). Cytogenetic location: 19p13.3.
Variant type: Deletion.
Coding change: c.554del on transcript NM_001252.5 (MANE Select); coding-DNA position 554, one base deleted (T; older notation c.554delT).
Protein change: p.Phe185fs; shifts the reading frame from phenylalanine 185.
Molecular consequence: frameshift variant. On other transcripts: intron variant (1).
Genome position (GRCh38, 1-based): chr19:6,586,048, A deleted on the plus strand (T on the coding strand, the reverse complement: CD70 is on the minus strand); the first of 2 consecutive A bases (chr19:6,586,048-6,586,049); deleting either gives the same sequence. VCF-style (leftmost placement, unchanged base first): chr19-6586047-GA-G. GRCh37 (hg19) VCF-style: chr19-6586058-GA-G.
Other names: c.448+106del (NM_001330332.2); short protein forms F185fs.
Identifiers: ClinVar variation 3905752 (VCV003905752.10).
Genomic context (GRCh38, chr19:6,586,047, plus strand): 5'-TAAAATTTAAAAAACCCTAATCAGCAGCAGTGGTCAGGGGCGCACCCACTGCACTCCAAA[GA>G]AGGTCTCATCAGTGTTTCGGGAAGGCAAAAGTGTCCCAGTGAGGTTGGTGCAGAGTGTGT-3'